The following is an entry in ClinVar:

ClinVar aggregate classification (germline): Uncertain significance (1 of 4 stars; one submission).

Conditions:
SEMA3B-related disorder. Also called: SEMA3B-related condition.

gnomAD v4.1: 6 of 1,613,538 alleles (0.00037%); highest among the groups gnomAD compares: Non-Finnish European, 0.00042%; no homozygotes.

Submission:

PreventionGenetics, part of Exact Sciences
Classification: Uncertain significance for SEMA3B-related condition. Last evaluated: 2025-11-26. Review status: criteria provided, single submitter. Criteria: ACMG Guidelines, 2015. Collection method: clinical testing. Allele origin: germline.
Comment: The SEMA3B c.311G>A variant is predicted to result in premature protein termination (p.Trp104*). To our knowledge, this variant has not been reported in the literature or in a large population database (gnomAD), indicating this variant is rare. At this time, the clinical significance of this variant is uncertain due to the absence of conclusive functional and genetic evidence.

NM_001290060.2(SEMA3B):c.311G>A (p.Trp104Ter)

Gene: SEMA3B (semaphorin 3B; plus strand). Cytogenetic location: 3p21.31.
Variant type: single nucleotide variant.
Coding change: c.311G>A on transcript NM_001290060.2 (MANE Select); coding-DNA position 311, G replaced by A.
Protein change: p.Trp104Ter; replaces tryptophan 104 with a stop codon.
Molecular consequence: nonsense.
Genome position (GRCh38, 1-based): chr3:50,270,476, G>A. VCF-style: chr3-50270476-G-A. GRCh37 (hg19) VCF-style: chr3-50307907-G-A.
Other names: c.311G>A, p.Trp104Ter (NM_001005914.3, NM_001290061.1, NM_001435956.1 and 3 more transcripts); short protein forms W104*.
Identifiers: ClinVar variation 4983508 (VCV004983508.1).